The following is an entry in ClinVar:

NM_001079843.3(CASZ1):c.5110G>A (p.Glu1704Lys)

Gene: CASZ1 (castor zinc finger 1; minus strand). Cytogenetic location: 1p36.22.
Variant type: single nucleotide variant.
Coding change: c.5110G>A on transcript NM_001079843.3 (MANE Select); coding-DNA position 5110, G replaced by A.
Protein change: p.Glu1704Lys; replaces glutamic acid 1704 with lysine.
Molecular consequence: missense variant.
Genome position (GRCh38, 1-based): chr1:10,639,112, C>T on the plus strand (G>A on the coding strand, the complement: CASZ1 is on the minus strand). VCF-style: chr1-10639112-C-T. GRCh37 (hg19) VCF-style: chr1-10699169-C-T.
Other names: short protein forms E1704K.
Identifiers: ClinVar variation 2704621 (VCV002704621.3), dbSNP rs2521988007, ClinGen allele CA338343105.

ClinVar aggregate classification (germline): Uncertain significance (1 of 4 stars; one submission).

gnomAD v4.1: 1 of 1,153,422 alleles (0.000087%); highest among the groups gnomAD compares: Non-Finnish European, 0.00011%; no homozygotes.

Submission:

Labcorp Genetics (formerly Invitae), Labcorp
Classification: Uncertain significance. Last evaluated: 2023-12-21. Review status: criteria provided, single submitter. Criteria: Invitae Variant Classification Sherloc (09022015). Collection method: clinical testing. Allele origin: germline.
Comment: This sequence change replaces glutamic acid, which is acidic and polar, with lysine, which is basic and polar, at codon 1704 of the CASZ1 protein (p.Glu1704Lys). This variant is not present in population databases (gnomAD no frequency). This variant has not been reported in the literature in individuals affected with CASZ1-related conditions. Experimental studies and prediction algorithms are not available or were not evaluated, and the functional significance of this variant is currently unknown. In summary, the available evidence is currently insufficient to determine the role of this variant in disease. Therefore, it has been classified as a Variant of Uncertain Significance.